The following is an entry in ClinVar:

NM_012448.4(STAT5B):c.72G>A (p.Gln24=)

Gene: STAT5B (signal transducer and activator of transcription 5B; minus strand). Cytogenetic location: 17q21.2.
Variant type: single nucleotide variant.
Coding change: c.72G>A on transcript NM_012448.4 (MANE Select); coding-DNA position 72, G replaced by A.
Protein change: p.Gln24=; no amino-acid change (glutamine 24 retained).
Molecular consequence: synonymous variant.
Genome position (GRCh38, 1-based): chr17:42,232,056, C>T on the plus strand (G>A on the coding strand, the complement: STAT5B is on the minus strand). VCF-style: chr17-42232056-C-T. GRCh37 (hg19) VCF-style: chr17-40384074-C-T.
Identifiers: ClinVar variation 1540515 (VCV001540515.9), dbSNP rs1215768537, ClinGen allele CA500062018.

ClinVar aggregate classification (germline): Likely benign. Review status: criteria provided, multiple submitters, no conflicts (2 of 4 stars). 2 submissions from 2 submitters: Likely benign (2). Last evaluated 2026-09-01.

Conditions:
Growth hormone insensitivity with immune dysregulation 1, autosomal recessive. Also called: GROWTH HORMONE INSENSITIVITY DUE TO POSTRECEPTOR DEFECT; LARON SYNDROME DUE TO POSTRECEPTOR DEFECT; Laron syndrome with immunodeficiency; GROWTH HORMONE INSENSITIVITY SYNDROME WITH IMMUNE DYSREGULATION 1, AUTOSOMAL RECESSIVE. Identifiers: Orphanet 220465, MedGen C5435698, MONDO:0100211, OMIM 245590.

Allele frequency attached by ClinVar (database versions not stated): gnomAD exomes below 0.00001.
gnomAD v4.1: 3 of 1,613,888 alleles (0.00019%); highest among the groups gnomAD compares: Non-Finnish European, 0.00017%; no homozygotes.

Submissions (2):

CeGaT Center for Human Genetics Tuebingen
Classification: Likely benign. Last evaluated: 2026-09-01. Review status: criteria provided, single submitter. Criteria: CeGaT Center For Human Genetics Tuebingen Variant Classification Criteria Version 2. Collection method: clinical testing. Allele origin: germline. Affected: yes. Observed: 1 variant allele.
Comment: STAT5B: BP4, BP7

Labcorp Genetics (formerly Invitae), Labcorp
Classification: Likely benign for Growth hormone insensitivity with immune dysregulation 1, autosomal recessive. Last evaluated: 2022-10-13. Review status: criteria provided, single submitter. Criteria: Invitae Variant Classification Sherloc (09022015). Collection method: clinical testing. Allele origin: germline.